The following is an entry in ClinVar:

ClinVar aggregate classification (germline): Uncertain significance (1 of 4 stars; one submission).

Conditions:
Dystonic disorder. Also called: Dystonia. Identifiers: MedGen C0013421, MONDO:0003441, HP:0001332.

Allele frequency attached by ClinVar (database versions not stated): ExAC 0.00001; 1000 Genomes Project 30x 0.00016; gnomAD 0.00001; gnomAD exomes below 0.00001; 1000 Genomes Project 0.00020.
gnomAD v4.1: 4 of 1,614,132 alleles (0.00025%); highest among the groups gnomAD compares: African/African-American, 0.0013%; no homozygotes.

Submission:

Labcorp Genetics (formerly Invitae), Labcorp
Classification: Uncertain significance for Dystonic disorder. Last evaluated: 2022-08-09. Review status: criteria provided, single submitter. Criteria: Invitae Variant Classification Sherloc (09022015). Collection method: clinical testing. Allele origin: germline.
Comment: This sequence change replaces glutamic acid, which is acidic and polar, with lysine, which is basic and polar, at codon 757 of the CIZ1 protein (p.Glu757Lys). This variant is present in population databases (rs559288292, gnomAD 0.003%). In summary, the available evidence is currently insufficient to determine the role of this variant in disease. Therefore, it has been classified as a Variant of Uncertain Significance. Algorithms developed to predict the effect of missense changes on protein structure and function are either unavailable or do not agree on the potential impact of this missense change (SIFT: "Deleterious"; PolyPhen-2: "Benign"; Align-GVGD: "Class C0"). This variant has not been reported in the literature in individuals affected with CIZ1-related conditions.

NM_001131016.2(CIZ1):c.2269G>A (p.Glu757Lys)

Gene: CIZ1 (CDKN1A interacting zinc finger protein 1; minus strand). Cytogenetic location: 9q34.11.
Variant type: single nucleotide variant.
Coding change: c.2269G>A on transcript NM_001131016.2 (MANE Select); coding-DNA position 2269, G replaced by A.
Protein change: p.Glu757Lys; replaces glutamic acid 757 with lysine.
Molecular consequence: missense variant.
Genome position (GRCh38, 1-based): chr9:128,169,078, C>T on the plus strand (G>A on the coding strand, the complement: CIZ1 is on the minus strand). VCF-style: chr9-128169078-C-T. GRCh37 (hg19) VCF-style: chr9-130931357-C-T.
Other names: c.2101G>A, p.Glu701Lys (NM_001131015.2); c.2086G>A, p.Glu696Lys (NM_001131017.2); c.2029G>A, p.Glu677Lys (NM_001131018.2); c.2437G>A, p.Glu813Lys (NM_001257975.2); c.1966G>A, p.Glu656Lys (NM_001257976.2); c.2269G>A, p.Glu757Lys (NM_012127.3); short protein forms E677K, E656K, E701K, E757K, E813K, E696K.
Identifiers: ClinVar variation 2070475 (VCV002070475.4), dbSNP rs559288292, ClinGen allele CA5257072.